The following is an entry in ClinVar:

NM_000202.8(IDS):c.1591C>T (p.Gln531Ter)

Gene: IDS (iduronate 2-sulfatase; minus strand). Cytogenetic location: Xq28.
Variant type: single nucleotide variant.
Coding change: c.1591C>T on transcript NM_000202.8 (MANE Select); coding-DNA position 1591, C replaced by T.
Protein change: p.Gln531Ter; replaces glutamine 531 with a stop codon.
Molecular consequence: nonsense.
Genome position (GRCh38, 1-based): chrX:149,482,808, G>A on the plus strand (C>T on the coding strand, the complement: IDS is on the minus strand). VCF-style: chrX-149482808-G-A. GRCh37 (hg19) VCF-style: chrX-148564339-G-A.
Other names: c.1321C>T, p.Gln441Ter (NM_001166550.4); short protein forms Q531*, Q441*.
Identifiers: ClinVar variation 285082 (VCV000285082.11), dbSNP rs886044837, ClinGen allele CA10604994.

ClinVar aggregate classification (germline): Pathogenic/Likely pathogenic. Review status: criteria provided, multiple submitters, no conflicts (2 of 4 stars). 4 submissions from 4 submitters: Pathogenic (3); Likely pathogenic (1). Last evaluated 2024-06-07.

Conditions:
Mucopolysaccharidosis, MPS-II (MPS2). Also called: Attenuated MPS (subtype; formerly known as mild MPS II); Severe MPS II; I2S deficiency; MPS 2; Hunter Syndrome; IDURONATE 2-SULFATASE DEFICIENCY. Identifiers: Orphanet 580, Orphanet 79388, MedGen C0026705, MONDO:0010674, OMIM 309900.

Submissions (4):

Laboratory of Diagnosis and Therapy of Lysosomal Disorders, University of Padova
Classification: Pathogenic for Mucopolysaccharidosis, MPS-II. Last evaluated: 2024-06-07. Review status: criteria provided, single submitter. Criteria: ACMG Guidelines, 2015. Collection method: literature only. Allele origin: germline. Affected: yes. Observed: 4 variant alleles.
Comment: Null variant (PVS1_Strong), In vitro or in vivo functional studies supportive of a damaging effect (PS3_Moderate), Absent from controls (or at low frequency) in gnomAD database (PM2_Moderate), Patient’s phenotype or family history highly specific for the disease (PP4_Strong)

Classification method: ACMG Guidelines [PMID:25741868] with modifications

Labcorp Genetics (formerly Invitae), Labcorp
Classification: Likely pathogenic for Mucopolysaccharidosis, MPS-II. Last evaluated: 2022-11-16. Review status: criteria provided, single submitter. Criteria: Invitae Variant Classification Sherloc (09022015). Collection method: clinical testing. Allele origin: germline.
Comment: This sequence change creates a premature translational stop signal (p.Gln531*) in the IDS gene. While this is not anticipated to result in nonsense mediated decay, it is expected to disrupt the last 20 amino acid(s) of the IDS protein. This variant is not present in population databases (gnomAD no frequency). This premature translational stop signal has been observed in individual(s) with mucopolysaccharidosis type II (PMID: 7581397). ClinVar contains an entry for this variant (Variation ID: 285082). Algorithms developed to predict the effect of variants on protein structure and function are not available or were not evaluated for this variant. Experimental studies have shown that this premature translational stop signal affects IDS function (PMID: 17091340). In summary, the currently available evidence indicates that the variant is pathogenic, but additional data are needed to prove that conclusively. Therefore, this variant has been classified as Likely Pathogenic.

Genome-Nilou Lab
Classification: Pathogenic for Mucopolysaccharidosis, MPS-II. Last evaluated: 2021-09-05. Review status: criteria provided, single submitter. Criteria: ACMG Guidelines, 2015. Collection method: clinical testing. Allele origin: germline. Affected: no.

Eurofins Ntd Llc (ga)
Classification: Pathogenic. Last evaluated: 2015-11-23. Review status: criteria provided, single submitter. Criteria: EGL Classification Definitions 2015. Collection method: clinical testing. Allele origin: germline. Observed: 1 variant allele, 1 hemizygote.

Literature cited by the submitters: PubMed 9660053 (cited by Laboratory of Diagnosis and Therapy of Lysosomal Disorders, University of Padova); PubMed 9501270 (cited by Laboratory of Diagnosis and Therapy of Lysosomal Disorders, University of Padova); PubMed 7887413 (cited by Laboratory of Diagnosis and Therapy of Lysosomal Disorders, University of Padova); PubMed 16133661 (cited by Laboratory of Diagnosis and Therapy of Lysosomal Disorders, University of Padova); PubMed 7581397 (cited by Laboratory of Diagnosis and Therapy of Lysosomal Disorders, University of Padova and Labcorp Genetics (formerly Invitae), Labcorp); PubMed 17091340 (cited by Labcorp Genetics (formerly Invitae), Labcorp).